The following is an entry in ClinVar:

ClinVar aggregate classification (germline): Uncertain significance (1 of 4 stars; one submission).

Conditions:
Cystic fibrosis (CF). Also called: MUCOVISCIDOSIS. Identifiers: Orphanet 586, MedGen C0010674, MONDO:0009061, OMIM 219700. Disease mechanism: loss of function.

Submission:

Johns Hopkins Genomics, Johns Hopkins University
Classification: Uncertain significance for Cystic fibrosis. Last evaluated: 2025-01-23. Review status: criteria provided, single submitter. Criteria: ACMG Guidelines, 2015. Collection method: clinical testing. Allele origin: germline.
Comment: This deep intronic CFTR variant is absent from a large population dataset and has not been reported in ClinVar nor the literature, to our knowledge. Three bioinformatic tools predict that this variant may create a cryptic splice donor site and lead to CFTR missplicing, however, this has not been assessed experimentally to our knowledge. We consider the clinical significance of CFTR c.489+956C>T to be uncertain at this time.

NM_000492.4(CFTR):c.489+956C>T

Gene: CFTR (CF transmembrane conductance regulator; plus strand). Cytogenetic location: 7q31.2.
Variant type: single nucleotide variant.
Coding change: c.489+956C>T on transcript NM_000492.4 (MANE Select); 956 bases into the intron after coding-DNA position 489, C replaced by T.
Molecular consequence: intron variant.
Genome position (GRCh38, 1-based): chr7:117,532,070, C>T. VCF-style: chr7-117532070-C-T. GRCh37 (hg19) VCF-style: chr7-117172124-C-T.
Identifiers: ClinVar variation 4280130 (VCV004280130.1).
Genomic context (GRCh38, chr7:117,532,070, plus strand): 5'-AATTGTGTTGTAAAACCTTGATAACCATACTTTATTGTTCAAAAAAGCCTTTTATGAAGG[C>T]AGAAGTTAAAAAAAAAAAACAAAAAAAACAGAGTCCACAGTTATCACCTCAGCTACAATC-3'